The following is an entry in ClinVar:

NM_015141.4(GPD1L):c.784G>A (p.Asp262Asn)

Gene: GPD1L (glycerol-3-phosphate dehydrogenase 1 like; plus strand). Cytogenetic location: 3p22.3.
Variant type: single nucleotide variant.
Coding change: c.784G>A on transcript NM_015141.4 (MANE Select); coding-DNA position 784, G replaced by A.
Protein change: p.Asp262Asn; replaces aspartic acid 262 with asparagine.
Molecular consequence: missense variant.
Genome position (GRCh38, 1-based): chr3:32,159,041, G>A. VCF-style: chr3-32159041-G-A. GRCh37 (hg19) VCF-style: chr3-32200533-G-A.
Other names: short protein forms D262N.
Identifiers: ClinVar variation 3609931 (VCV003609931.3).

ClinVar aggregate classification (germline): Uncertain significance. Review status: criteria provided, multiple submitters, no conflicts (2 of 4 stars). 2 submissions from 2 submitters: Uncertain significance (2). Last evaluated 2025-12-22.

Conditions:
Brugada syndrome. Also called: Sudden unexpected nocturnal death syndrome; Sudden Unexplained Death Syndrome; Sudden Unexplained Nocturnal Death Syndrome (SUNDS); Sudden unexplained nocturnal death syndrome. Identifiers: Orphanet 130, MedGen C1142166, MONDO:0015263.
Cardiovascular phenotype. Identifiers: MedGen CN230736.

gnomAD v4.1: 8 of 1,613,820 alleles (0.0005%); highest among the groups gnomAD compares: African/African-American, 0.0027%; no homozygotes.

Submissions (2):

Ambry Genetics
Classification: Uncertain significance for Cardiovascular phenotype. Last evaluated: 2025-12-22. Review status: criteria provided, single submitter. Criteria: Ambry Variant Classification Scheme 2023. Collection method: clinical testing. Allele origin: germline.
Comment: The p.D262N variant (also known as c.784G>A), located in coding exon 6 of the GPD1L gene, results from a G to A substitution at nucleotide position 784. The aspartic acid at codon 262 is replaced by asparagine, an amino acid with highly similar properties. This amino acid position is highly conserved in available vertebrate species. In addition, the in silico prediction for this alteration is inconclusive. The evidence for this gene-disease relationship is limited; therefore, the clinical significance of this alteration is unclear.

Labcorp Genetics (formerly Invitae), Labcorp
Classification: Uncertain significance for Brugada syndrome. Last evaluated: 2025-02-26. Review status: criteria provided, single submitter. Criteria: Invitae Variant Classification Sherloc (09022015). Collection method: clinical testing. Allele origin: germline.
Comment: This sequence change replaces aspartic acid, which is acidic and polar, with asparagine, which is neutral and polar, at codon 262 of the GPD1L protein (p.Asp262Asn). This variant is present in population databases (rs746057191, gnomAD 0.01%). This variant has not been reported in the literature in individuals affected with GPD1L-related conditions. Invitae Evidence Modeling of protein sequence and biophysical properties (such as structural, functional, and spatial information, amino acid conservation, physicochemical variation, residue mobility, and thermodynamic stability) indicates that this missense variant is not expected to disrupt GPD1L protein function with a negative predictive value of 80%. In summary, the available evidence is currently insufficient to determine the role of this variant in disease. Therefore, it has been classified as a Variant of Uncertain Significance.